The following is an entry in ClinVar:

ClinVar aggregate classification (germline): Uncertain significance. Review status: criteria provided, multiple submitters, no conflicts (2 of 4 stars). 2 submissions from 2 submitters: Uncertain significance (2). Last evaluated 2024-11-14.

Conditions:
Centromeric instability of chromosomes 1,9 and 16 and immunodeficiency (ICF1). Also called: IMMUNE DEFICIENCY, VARIABLE, WITH CENTROMERIC INSTABILITY OF CHROMOSOMES 1, 9, AND 16; IMMUNODEFICIENCY SYNDROME, VARIABLE; Immunodeficiency-centromeric instability-facial anomalies; CENTROMERIC INSTABILITY, IMMUNODEFICIENCY SYNDROME. Identifiers: Orphanet 2268, MedGen C0398788, MONDO:0000133.
Inborn genetic diseases. Identifiers: MedGen C0950123, MeSH D030342.

Allele frequency attached by ClinVar (database versions not stated): gnomAD 0.00001; TOPMed 0.00001; ExAC 0.00003; gnomAD exomes 0.00003.
gnomAD v4.1: 26 of 1,613,948 alleles (0.0016%); highest among the groups gnomAD compares: South Asian, 0.019%; no homozygotes.

Submissions (2):

Labcorp Genetics (formerly Invitae), Labcorp
Classification: Uncertain significance for Centromeric instability of chromosomes 1,9 and 16 and immunodeficiency. Last evaluated: 2024-11-14. Review status: criteria provided, single submitter. Criteria: Invitae Variant Classification Sherloc (09022015). Collection method: clinical testing. Allele origin: germline.
Comment: This sequence change replaces alanine, which is neutral and non-polar, with valine, which is neutral and non-polar, at codon 365 of the DNMT3B protein (p.Ala365Val). This variant is present in population databases (rs763959693, gnomAD 0.02%). This variant has not been reported in the literature in individuals affected with DNMT3B-related conditions. ClinVar contains an entry for this variant (Variation ID: 851875). Invitae Evidence Modeling of protein sequence and biophysical properties (such as structural, functional, and spatial information, amino acid conservation, physicochemical variation, residue mobility, and thermodynamic stability) indicates that this missense variant is not expected to disrupt DNMT3B protein function with a negative predictive value of 95%. In summary, the available evidence is currently insufficient to determine the role of this variant in disease. Therefore, it has been classified as a Variant of Uncertain Significance.

Ambry Genetics
Classification: Uncertain significance for Inborn genetic diseases. Last evaluated: 2023-04-11. Review status: criteria provided, single submitter. Criteria: Ambry Variant Classification Scheme 2023. Collection method: clinical testing. Allele origin: germline.

NM_006892.4(DNMT3B):c.1094C>T (p.Ala365Val)

Gene: DNMT3B (DNA methyltransferase 3 beta; plus strand). Cytogenetic location: 20q11.21.
Variant type: single nucleotide variant.
Coding change: c.1094C>T on transcript NM_006892.4 (MANE Select); coding-DNA position 1094, C replaced by T.
Protein change: p.Ala365Val; replaces alanine 365 with valine.
Molecular consequence: missense variant. On other transcripts: intron variant (5).
Genome position (GRCh38, 1-based): chr20:32,793,563, C>T. VCF-style: chr20-32793563-C-T. GRCh37 (hg19) VCF-style: chr20-31381369-C-T.
Other names: c.1066+793C>T (NM_175848.2, NM_175849.2); c.940+793C>T (NM_001207055.2); c.838+793C>T (NM_001207056.2); c.1102+793C>T (NM_175850.3); short protein forms A365V.
Identifiers: ClinVar variation 851875 (VCV000851875.10), dbSNP rs763959693, ClinGen allele CA9810413.